The following is an entry in ClinVar:

ClinVar aggregate classification (germline): Benign/Likely benign. Review status: criteria provided, multiple submitters, no conflicts (2 of 4 stars). 4 submissions from 4 submitters: Benign (2); Likely benign (2). Last evaluated 2026-02-02.

Conditions:
Retinitis pigmentosa (RP). Identifiers: Orphanet 791, MedGen C0035334, MeSH D012174, MONDO:0019200, OMIM 268000. Inheritance: Autosomal dominant, autosomal recessive and X linked inheritance.
Retinal dystrophy. Also called: Inherited retinal dystrophy. Identifiers: Orphanet 71862, MedGen C0854723, MeSH D058499, MONDO:0019118, HP:0000556.

Allele frequency attached by ClinVar (database versions not stated): 1000 Genomes Project 30x 0.00515; 1000 Genomes Project 0.00559; TOPMed 0.01285; gnomAD 0.01442 and 0.01476; gnomAD exomes 0.01455; ExAC 0.01512; ESP Exome Variant Server 0.01784.
gnomAD v4.1: 33,289 of 1,613,518 alleles (2.1%); highest among the groups gnomAD compares: Non-Finnish European, 2.5%; 422 homozygotes.

Submissions (4):

Labcorp Genetics (formerly Invitae), Labcorp
Classification: Benign. Last evaluated: 2026-02-02. Review status: criteria provided, single submitter. Criteria: Invitae Variant Classification Sherloc (09022015). Collection method: clinical testing. Allele origin: germline.

Dept Of Ophthalmology, Nagoya University
Classification: Benign for Retinal dystrophy. Last evaluated: 2023-10-01. Review status: criteria provided, single submitter. Criteria: Submitter's publication. Collection method: research. Allele origin: germline. Affected: yes.

Illumina Laboratory Services, Illumina
Classification: Likely benign for Retinitis pigmentosa. Last evaluated: 2018-01-12. Review status: criteria provided, single submitter. Criteria: ICSL Variant Classification Criteria 13 December 2019. Collection method: clinical testing. Allele origin: germline.
Comment: This variant was observed in the ICSL laboratory as part of a predisposition screen in an ostensibly healthy population. It had not been previously curated by ICSL or reported in the Human Gene Mutation Database (HGMD: prior to June 1st, 2018), and was therefore a candidate for classification through an automated scoring system. Utilizing variant allele frequency, disease prevalence and penetrance estimates, and inheritance mode, an automated score was calculated to assess if this variant is too frequent to cause the disease. Based on the score and internal cut-off values, a variant classified as likely benign is not then subjected to further curation. The score for this variant resulted in a classification of likely benign for this disease.

Breakthrough Genomics
Classification: Likely benign. Review status: criteria provided, single submitter. Criteria: ACMG Guidelines, 2015. Collection method: not provided. Allele origin: germline. Inheritance: Autosomal recessive inheritance. Affected: yes.

NM_002900.3(RBP3):c.2898C>T (p.Ser966=)

Gene: RBP3 (retinol binding protein 3; plus strand). Cytogenetic location: 10q11.22.
Variant type: single nucleotide variant.
Coding change: c.2898C>T on transcript NM_002900.3 (MANE Select); coding-DNA position 2898, C replaced by T.
Protein change: p.Ser966=; no amino-acid change (serine 966 retained).
Molecular consequence: synonymous variant.
Genome position (GRCh38, 1-based): chr10:47,351,382, C>T. VCF-style: chr10-47351382-C-T. GRCh37 (hg19) VCF-style: chr10-48387980-G-A.
Identifiers: ClinVar variation 878712 (VCV000878712.14), dbSNP rs41284960, ClinGen allele CA5487182.